The following is an entry in ClinVar:

NM_001267550.2(TTN):c.11311+4477C>T

Gene: TTN (titin; minus strand). Cytogenetic location: 2q31.2.
Variant type: single nucleotide variant.
Coding change: c.11311+4477C>T on transcript NM_001267550.2 (MANE Select); 4477 bases into the intron after coding-DNA position 11311, C replaced by T.
Molecular consequence: intron variant. On other transcripts: missense variant (1).
Genome position (GRCh38, 1-based): chr2:178,748,647, G>A on the plus strand (C>T on the coding strand, the complement: TTN is on the minus strand). VCF-style: chr2-178748647-G-A. GRCh37 (hg19) VCF-style: chr2-179613374-G-A.
Other names: c.13753C>T, p.His4585Tyr (NM_133379.5); c.10222+4477C>T (NM_003319.4); c.10798+4477C>T (NM_133437.4); c.10597+4477C>T (NM_133432.3); c.10360+4477C>T (NM_133378.4, NM_001256850.1); short protein forms H4585Y.
Identifiers: ClinVar variation 4985138 (VCV004985138.1).

ClinVar aggregate classification (germline): Uncertain significance (1 of 4 stars; one submission).

Conditions:
TTN-related disorder. Also called: TTN-related disorders; TTN-related condition; TTN-related disease.

gnomAD v4.1: 1 of 1,612,982 alleles (0.000062%); highest among the groups gnomAD compares: Non-Finnish European, 0.000085%; no homozygotes.

Submission:

PreventionGenetics, part of Exact Sciences
Classification: Uncertain significance for TTN-related condition. Last evaluated: 2025-07-03. Review status: criteria provided, single submitter. Criteria: ACMG Guidelines, 2015. Collection method: clinical testing. Allele origin: germline.
Comment: The TTN c.11311+4477C>T variant is predicted to interfere with splicing. This variant is also referred to as c.13753C>T (p.His4585Tyr) in the Novex-3 transcript NM_133379. This variant is located in exon 46 of the Novex-3 transcript (minor small cardiac isoform) which is the last exon of this transcript. This exon is not included in any other TTN transcripts (principle cardiac or skeletal muscle isoforms). To our knowledge, this variant has not been reported in the literature or in a large population database (gnomAD), indicating this variant is rare. At this time, the clinical significance of this variant is uncertain due to the absence of conclusive functional and genetic evidence.